The following is an entry in ClinVar:

NM_006231.4(POLE):c.3022A>G (p.Lys1008Glu)

Gene: POLE (DNA polymerase epsilon, catalytic subunit; minus strand). Cytogenetic location: 12q24.33.
Variant type: single nucleotide variant.
Coding change: c.3022A>G on transcript NM_006231.4 (MANE Select); coding-DNA position 3022, A replaced by G.
Protein change: p.Lys1008Glu; replaces lysine 1008 with glutamic acid.
Molecular consequence: missense variant.
Genome position (GRCh38, 1-based): chr12:132,661,007, T>C on the plus strand (A>G on the coding strand, the complement: POLE is on the minus strand). VCF-style: chr12-132661007-T-C. GRCh37 (hg19) VCF-style: chr12-133237593-T-C.
Other names: short protein forms K1008E.
Identifiers: ClinVar variation 1396360 (VCV001396360.8), dbSNP rs2138689282, ClinGen allele CA387392267.

ClinVar aggregate classification (germline): Uncertain significance (1 of 4 stars; one submission).

Submission:

Labcorp Genetics (formerly Invitae), Labcorp
Classification: Uncertain significance. Last evaluated: 2024-12-11. Review status: criteria provided, single submitter. Criteria: Invitae Variant Classification Sherloc (09022015). Collection method: clinical testing. Allele origin: germline.
Comment: This sequence change replaces lysine, which is basic and polar, with glutamic acid, which is acidic and polar, at codon 1008 of the POLE protein (p.Lys1008Glu). This variant is not present in population databases (gnomAD no frequency). This variant has not been reported in the literature in individuals affected with POLE-related conditions. ClinVar contains an entry for this variant (Variation ID: 1396360). Invitae Evidence Modeling of protein sequence and biophysical properties (such as structural, functional, and spatial information, amino acid conservation, physicochemical variation, residue mobility, and thermodynamic stability) indicates that this missense variant is not expected to disrupt POLE protein function with a negative predictive value of 80%. In summary, the available evidence is currently insufficient to determine the role of this variant in disease. Therefore, it has been classified as a Variant of Uncertain Significance.